The following is an entry in ClinVar:

ClinVar aggregate classification (germline): Uncertain significance. Review status: criteria provided, multiple submitters, no conflicts (2 of 4 stars). 2 submissions from 2 submitters: Uncertain significance (2). Last evaluated 2025-12-04.

Conditions:
Mitochondrial complex II deficiency, nuclear type 1. Also called: SUCCINATE CoQ REDUCTASE DEFICIENCY. Identifiers: Orphanet 3208, MedGen C5700310, MONDO:0100294, OMIM 252011.
Pheochromocytoma/paraganglioma syndrome 5. Also called: Paragangliomas 5; SDHA-Related Hereditary Paraganglioma-Pheochromocytoma Syndrome. Identifiers: Orphanet 29072, MedGen C3279992, MONDO:0013602, OMIM 614165.
Hereditary cancer-predisposing syndrome. Also called: Neoplastic Syndromes, Hereditary; Hereditary neoplastic syndrome; Tumor predisposition; Hereditary Cancer Syndrome. Identifiers: Orphanet 140162, MedGen C0027672, MeSH D009386, MONDO:0015356.

Submissions (2):

Ambry Genetics
Classification: Uncertain significance for Hereditary cancer-predisposing syndrome. Last evaluated: 2025-12-04. Review status: criteria provided, single submitter. Criteria: Ambry Variant Classification Scheme 2023. Collection method: clinical testing. Allele origin: germline.
Comment: The c.1037_1038delCCinsTG variant (also known as p.S346L), located in coding exon 8 of the SDHA gene, results from an in-frame deletion of CC and insertion of TG at nucleotide positions 1037 to 1038. This results in the substitution of the serine residue for a leucine residue at codon 346, an amino acid with dissimilar properties. This amino acid position is highly conserved in available vertebrate species. In addition, the in silico prediction for this alteration is inconclusive (Choi Y et al. PLoS ONE. 2012; 7(10):e46688). Since supporting evidence is limited at this time, the clinical significance of this alteration remains unclear.

Labcorp Genetics (formerly Invitae), Labcorp
Classification: Uncertain significance for Pheochromocytoma/paraganglioma syndrome 5; Mitochondrial complex II deficiency, nuclear type 1. Last evaluated: 2024-08-12. Review status: criteria provided, single submitter. Criteria: Invitae Variant Classification Sherloc (09022015). Collection method: clinical testing. Allele origin: germline.
Comment: This sequence change replaces serine, which is neutral and polar, with leucine, which is neutral and non-polar, at codon 346 of the SDHA protein (p.Ser346Leu). Information on the frequency of this variant in the gnomAD database is not available, as this variant may be reported differently in the database. This variant has not been reported in the literature in individuals affected with SDHA-related conditions. ClinVar contains an entry for this variant (Variation ID: 855656). An algorithm developed to predict the effect of missense changes on protein structure and function (PolyPhen-2) suggests that this variant is likely to be disruptive. In summary, the available evidence is currently insufficient to determine the role of this variant in disease. Therefore, it has been classified as a Variant of Uncertain Significance.

NM_004168.4(SDHA):c.1037_1038delinsTG (p.Ser346Leu)

Gene: SDHA (succinate dehydrogenase complex flavoprotein subunit A; plus strand). Cytogenetic location: 5p15.33.
Variant type: Indel.
Coding change: c.1037_1038delinsTG on transcript NM_004168.4 (MANE Select); coding-DNA positions 1037 to 1038, CC replaced by TG.
Protein change: p.Ser346Leu; replaces serine 346 with leucine.
Molecular consequence: missense variant.
Genome position (GRCh38, 1-based): chr5:233,618-233,619, CC replaced by TG. VCF-style: chr5-233618-CC-TG. GRCh37 (hg19) VCF-style: chr5-233733-CC-TG.
Other names: c.893_894delinsTG, p.Ser298Leu (NM_001294332.2); c.1037_1038delinsTG, p.Ser346Leu (NM_001330758.2); short protein forms S298L, S346L.
Identifiers: ClinVar variation 855656 (VCV000855656.12), dbSNP rs1735564312, ClinGen allele CA916082677.